The following is an entry in ClinVar:

NM_002397.5(MEF2C):c.1115C>T (p.Thr372Ile)

Gene: MEF2C (myocyte enhancer factor 2C; minus strand). Cytogenetic location: 5q14.3.
Variant type: single nucleotide variant.
Coding change: c.1115C>T on transcript NM_002397.5 (MANE Select); coding-DNA position 1115, C replaced by T.
Protein change: p.Thr372Ile; replaces threonine 372 with isoleucine.
Molecular consequence: missense variant. On other transcripts: intron variant (24).
Genome position (GRCh38, 1-based): chr5:88,722,911, G>A on the plus strand (C>T on the coding strand, the complement: MEF2C is on the minus strand). VCF-style: chr5-88722911-G-A. GRCh37 (hg19) VCF-style: chr5-88018728-G-A.
Other names: c.1077-84C>T (NM_001364348.2, NM_001364350.2, NM_001364349.2); c.1077-82C>T (NM_001364340.2, NM_001364342.2, NM_001364341.2 and 1 more transcripts); c.1101-84C>T (NM_001364346.2, NM_001364345.2, NM_001364347.2); c.1101-82C>T (NM_001364336.2, NM_001363581.2, NM_001364334.2 and 2 more transcripts); c.651-82C>T (NM_001364357.2); c.723-82C>T (NM_001364356.2); c.957-84C>T (NM_001364355.2, NM_001364354.2); c.957-82C>T (NM_001193349.3, NM_001364332.2); and 10 more; short protein forms T246I, T316I, T324I, T364I, T372I, T382I, T362I.
Identifiers: ClinVar variation 3721133 (VCV003721133.2).

ClinVar aggregate classification (germline): Uncertain significance (1 of 4 stars; one submission).

Conditions:
Neurodevelopmental disorder with hypotonia, stereotypic hand movements, and impaired language. Also called: Intellectual disability, autosomal dominant 20. Identifiers: Orphanet 228384, Orphanet 664410, MedGen C3150700, MONDO:0013266, OMIM 613443.

gnomAD v4.1: 1 of 1,605,546 alleles (0.000062%); highest among the groups gnomAD compares: Non-Finnish European, 0.000085%; no homozygotes.

Submission:

Labcorp Genetics (formerly Invitae), Labcorp
Classification: Uncertain significance for Neurodevelopmental disorder with hypotonia, stereotypic hand movements, and impaired language. Last evaluated: 2024-10-31. Review status: criteria provided, single submitter. Criteria: Invitae Variant Classification Sherloc (09022015). Collection method: clinical testing. Allele origin: germline.
Comment: This sequence change replaces threonine, which is neutral and polar, with isoleucine, which is neutral and non-polar, at codon 372 of the MEF2C protein (p.Thr372Ile). This variant is not present in population databases (gnomAD no frequency). This variant has not been reported in the literature in individuals affected with MEF2C-related conditions. Invitae Evidence Modeling of protein sequence and biophysical properties (such as structural, functional, and spatial information, amino acid conservation, physicochemical variation, residue mobility, and thermodynamic stability) indicates that this missense variant is not expected to disrupt MEF2C protein function with a negative predictive value of 95%. In summary, the available evidence is currently insufficient to determine the role of this variant in disease. Therefore, it has been classified as a Variant of Uncertain Significance.